The following is an entry in ClinVar:

NM_004260.4(RECQL4):c.1231C>T (p.His411Tyr)

Gene: RECQL4 (RecQ like helicase 4; minus strand). Cytogenetic location: 8q24.3.
Variant type: single nucleotide variant.
Coding change: c.1231C>T on transcript NM_004260.4 (MANE Select); coding-DNA position 1231, C replaced by T.
Protein change: p.His411Tyr; replaces histidine 411 with tyrosine.
Molecular consequence: missense variant.
Genome position (GRCh38, 1-based): chr8:144,515,791, G>A on the plus strand (C>T on the coding strand, the complement: RECQL4 is on the minus strand). VCF-style: chr8-144515791-G-A. GRCh37 (hg19) VCF-style: chr8-145741175-G-A.
Other names: c.1135C>T, p.His379Tyr (NM_001413017.1, NM_001413020.1); c.1231C>T, p.His411Tyr (NM_001413018.1, NM_001413019.1, NM_001413033.1 and 2 more transcripts); c.160C>T, p.His54Tyr (NM_001413021.1, NM_001413022.1, NM_001413023.1 and 8 more transcripts); c.1102C>T, p.His368Tyr (NM_001413025.1); c.98C>T, p.Ser33Leu (NM_001413027.1, NM_001413030.1, NM_001413031.1 and 2 more transcripts); c.880C>T, p.His294Tyr (NM_001413029.1); short protein forms H294Y, H54Y, H379Y, H411Y, S33L, H368Y.
Identifiers: ClinVar variation 2089732 (VCV002089732.4), dbSNP rs2130712383, ClinGen allele CA372687343.

ClinVar aggregate classification (germline): Uncertain significance (1 of 4 stars; one submission).

Conditions:
Baller-Gerold syndrome (BGS). Also called: CRANIOSYNOSTOSIS WITH RADIAL DEFECTS. Identifiers: Orphanet 1225, MedGen C0265308, MONDO:0009039, OMIM 218600.

Submission:

Labcorp Genetics (formerly Invitae), Labcorp
Classification: Uncertain significance for Baller-Gerold syndrome. Last evaluated: 2022-01-26. Review status: criteria provided, single submitter. Criteria: Invitae Variant Classification Sherloc (09022015). Collection method: clinical testing. Allele origin: germline.
Comment: This sequence change replaces histidine, which is basic and polar, with tyrosine, which is neutral and polar, at codon 411 of the RECQL4 protein (p.His411Tyr). This variant is not present in population databases (gnomAD no frequency). This variant has not been reported in the literature in individuals affected with RECQL4-related conditions. Experimental studies and prediction algorithms are not available or were not evaluated, and the functional significance of this variant is currently unknown. In summary, the available evidence is currently insufficient to determine the role of this variant in disease. Therefore, it has been classified as a Variant of Uncertain Significance.